The following is an entry in ClinVar:

ClinVar aggregate classification (germline): Conflicting classifications of pathogenicity. Review status: criteria provided, conflicting classifications (1 of 4 stars). 2 submissions from 2 submitters: Uncertain significance (1); Likely benign (1). Last evaluated 2026-08-20.

Conditions:
CYP21A2-related disorder. Also called: CYP21A2-related condition.
21-Hydroxylase-Deficient Congenital Adrenal Hyperplasia. Also called: ADRENAL HYPERPLASIA, CONGENITAL, DUE TO 21-HYDROXYLASE DEFICIENCY; ADRENAL HYPERPLASIA III. Identifiers: MedGen C2936858, OMIM 201910.

Allele frequency attached by ClinVar (database versions not stated): 1000 Genomes Project 30x 0.01140; 1000 Genomes Project 0.01218; TOPMed 0.01486; gnomAD 0.01649.

Submissions (2):

PreventionGenetics, part of Exact Sciences
Classification: Uncertain significance for CYP21A2-related condition. Last evaluated: 2026-08-20. Review status: criteria provided, single submitter. Criteria: ACMG Guidelines, 2015. Collection method: clinical testing. Allele origin: germline.
Comment: The CYP21A2 c.-196T>C variant is located in the 5' untranslated region. The minor allele frequency of this variant is observed at ~2-3% in populations of different descents with 14 homozygotes documented in total (gnomAD v2.1.1). However, these minor allele frequencies, based on the current next-generation sequencing technology, may not be an accurate estimate because this variant is located within a highly homologous sequence region (Mandelker et al. 2016. PubMed ID: 27228465). Of note, promoter variants in CYP21A2 have been reported to reduce transcriptional activities and therefore possibly associated to milder disease expressivity (see for example, Zhang et al. 2009. PubMed ID: 18702679; Araújo et al. 2007. PubMed ID: 17666484). The c.-196T>C along with additional variants in the 5’ untranslated region has been reported in individuals with features of non-classic form congenital adrenal hyperplasia (CAH) such as premature pubarche; however, no additional studies were performed to help assess the pathogenicity of this variant on its own (see for example, Soveizi et al. 2020. PubMed ID: 32714392; Wan et al. 2022. PubMed ID: 36167262). A study of promoter variants in CYP21A2 classified this variant as benign (Schernthaner-Reiter et al. 2025. PubMed ID: 41109685). Although we suspect this variant is benign, at this time, the clinical significance of this variant is uncertain due to the absence of conclusive functional and genetic evidence.

Newborn Screening Ontario, Children's Hospital of Eastern Ontario (CHEO)
Classification: Likely benign for 21-Hydroxylase-Deficient Congenital Adrenal Hyperplasia. Last evaluated: 2024-09-16. Review status: criteria provided, single submitter. Criteria: ACMG Guidelines, 2015. Collection method: clinical testing. Allele origin: germline. Inheritance: Autosomal recessive inheritance.

NC_000006.12:g.32038227T>C

Genes: CYP21A2 (cytochrome P450 family 21 subfamily A member 2; plus strand), LOC106780800 (CYP21A2 recombination region; plus strand), LOC110631417 (CYP21A2 5' regulatory region; plus strand). Cytogenetic location: 6p21.33.
Variant type: single nucleotide variant.
Genome position: GRCh38 VCF-style: chr6-32038227-T-C. GRCh37 (hg19) VCF-style: chr6-32006004-T-C.
Other names: c.-196T>C (NM_000500.9).
Identifiers: ClinVar variation 3056153 (VCV003056153.4), dbSNP rs11449852, ClinGen allele CA136893149.